The following is an entry in ClinVar:

ClinVar aggregate classification (germline): Pathogenic. Review status: criteria provided, multiple submitters, no conflicts (2 of 4 stars). 3 submissions from 3 submitters: Pathogenic (2). 1 of the submissions does not count toward it. Last evaluated 2024-10-15.

Conditions:
TRAPPC9-related disorder. Also called: TRAPPC9-related condition.
Intellectual developmental disorder, autosomal recessive 13. Also called: Intellectual disability, autosomal recessive 13. Identifiers: Orphanet 88616, MedGen C2750791, MONDO:0013173, OMIM 613192.

Submissions (3):

Blueprint Genetics
Classification: Pathogenic for TRAPPC9-related disorders. Last evaluated: 2024-10-15. Review status: criteria provided, single submitter. Criteria: ACMG Guidelines, 2015. Collection method: clinical testing. Allele origin: germline. Affected: yes. Observed: 1 variant allele.

GeneDx
Classification: Pathogenic. Last evaluated: 2024-09-18. Review status: criteria provided, single submitter. Criteria: GeneDx Variant Classification Process June 2021. Collection method: clinical testing. Allele origin: germline.
Comment: Frameshift variant predicted to result in protein truncation or nonsense mediated decay in a gene for which loss of function is a known mechanism of disease; Not observed at significant frequency in large population cohorts (gnomAD); This variant is associated with the following publications: (PMID: 21858081, 17120046, 20004765)

OMIM
Classification: Pathogenic for INTELLECTUAL DEVELOPMENTAL DISORDER, AUTOSOMAL RECESSIVE 13. Last evaluated: 2009-12-01. Review status: no assertion criteria provided. Collection method: literature only. Allele origin: germline. Not counted in ClinVar's aggregate classification.

Literature cited by the submitters: PubMed 17120046 (cited by OMIM); PubMed 20004765 (cited by OMIM).

NM_001160372.4(TRAPPC9):c.2019_2022del (p.Leu674fs)

Gene: TRAPPC9 (trafficking protein particle complex subunit 9; minus strand). Cytogenetic location: 8q24.3.
Variant type: Deletion.
Coding change: c.2019_2022del on transcript NM_001160372.4 (MANE Select); coding-DNA positions 2019 to 2022, 4 bases deleted (TTTG; older notation c.2019_2022delTTTG).
Protein change: p.Leu674fs; shifts the reading frame from leucine 674.
Molecular consequence: frameshift variant. On other transcripts: non-coding transcript variant (1).
Genome position (GRCh38, 1-based): chr8:140,283,981-140,283,984, CAAA deleted on the plus strand (TTTG on the coding strand, the reverse complement: TRAPPC9 is on the minus strand); deleting any 4 consecutive bases within chr8:140,283,981-140,283,986 gives the same sequence; the c. name uses the placement nearest the transcript's 3' end. VCF-style (leftmost placement, unchanged base first): chr8-140283980-GCAAA-G. GRCh37 (hg19) VCF-style: chr8-141294079-GCAAA-G.
Other names: c.2019_2022delTTTG (NM_001160372.4); c.1992_1995del, p.Leu665fs (NM_001321646.2); c.2040_2043del, p.Leu681fs (NM_001374682.1); c.2019_2022del, p.Leu674fs (NM_001374683.1, NM_031466.8); c.1875_1878del, p.Leu626fs (NM_001374684.1); c.2313_2316del (NM_031466.5); short protein forms L626fs, L665fs, L674fs, L681fs.
Identifiers: ClinVar variation 760 (VCV000000760.5), dbSNP rs2131714307, ClinGen allele CA1139532277.